The following is an entry in ClinVar:

NM_001845.6(COL4A1):c.2900C>A (p.Ser967Tyr)

Gene: COL4A1 (collagen type IV alpha 1 chain; minus strand). Cytogenetic location: 13q34.
Variant type: single nucleotide variant.
Coding change: c.2900C>A on transcript NM_001845.6 (MANE Select); coding-DNA position 2900, C replaced by A.
Protein change: p.Ser967Tyr; replaces serine 967 with tyrosine.
Molecular consequence: missense variant.
Genome position (GRCh38, 1-based): chr13:110,176,694, G>T on the plus strand (C>A on the coding strand, the complement: COL4A1 is on the minus strand). VCF-style: chr13-110176694-G-T. GRCh37 (hg19) VCF-style: chr13-110829041-G-T.
Other names: c.2900C>A (NM_001845.4); short protein forms S967Y.
Identifiers: ClinVar variation 3679861 (VCV003679861.3).

ClinVar aggregate classification (germline): Uncertain significance. Review status: criteria provided, multiple submitters, no conflicts (2 of 4 stars). 2 submissions from 2 submitters: Uncertain significance (2). Last evaluated 2026-04-08.

Submissions (2):

GeneDx
Classification: Uncertain significance. Last evaluated: 2026-04-08. Review status: criteria provided, single submitter. Criteria: GeneDx Variant Classification Process June 2021. Collection method: clinical testing. Allele origin: germline.
Comment: In silico analysis suggests that this missense variant does not alter protein structure/function; Has not been previously published as pathogenic or benign to our knowledge; Occurs in the triple helical domain at the X position in the canonical Gly-X-Y repeat; although this variant may have an effect on normal protein folding and function, missense substitution at the X position is not a common mechanism of disease

Labcorp Genetics (formerly Invitae), Labcorp
Classification: Uncertain significance. Last evaluated: 2025-05-12. Review status: criteria provided, single submitter. Criteria: Invitae Variant Classification Sherloc (09022015). Collection method: clinical testing. Allele origin: germline.
Comment: This sequence change replaces serine, which is neutral and polar, with tyrosine, which is neutral and polar, at codon 967 of the COL4A1 protein (p.Ser967Tyr). This variant is present in population databases (rs781439804, gnomAD 0.006%). This variant has not been reported in the literature in individuals affected with COL4A1-related conditions. ClinVar contains an entry for this variant (Variation ID: 3679861). Invitae Evidence Modeling of protein sequence and biophysical properties (such as structural, functional, and spatial information, amino acid conservation, physicochemical variation, residue mobility, and thermodynamic stability) indicates that this missense variant is not expected to disrupt COL4A1 protein function with a negative predictive value of 95%. In summary, the available evidence is currently insufficient to determine the role of this variant in disease. Therefore, it has been classified as a Variant of Uncertain Significance.